The following is an entry in ClinVar:

ClinVar aggregate classification (germline): Conflicting classifications of pathogenicity. Review status: criteria provided, conflicting classifications (1 of 4 stars). 11 submissions from 11 submitters: Pathogenic (1); Likely pathogenic (5); Uncertain significance (4). 1 of the submissions does not count toward it. Last evaluated 2026-08-21.

Conditions:
Primary ciliary dyskinesia. Also called: Ciliary dyskinesia. Identifiers: Orphanet 244, MedGen C0008780, MONDO:0016575, HP:0012265.
Primary ciliary dyskinesia 3. Identifiers: Orphanet 244, MedGen C1837618, MONDO:0012085, OMIM 608644.
DNAH5-related disorders.

Allele frequency attached by ClinVar (database versions not stated): ExAC 0.00007; gnomAD exomes 0.00008 and 0.00014; gnomAD 0.00013; TOPMed 0.00014; 1000 Genomes Project 30x 0.00016; 1000 Genomes Project 0.00020.
gnomAD v4.1: 228 of 1,614,038 alleles (0.014%); highest among the groups gnomAD compares: Non-Finnish European, 0.017%; no homozygotes.

Submissions (11):

Myriad Genetics, Inc.
Classification: Uncertain significance for Primary ciliary dyskinesia 3. Last evaluated: 2026-08-21. Review status: criteria provided, single submitter. Criteria: Myriad Autosomal Dominant, Autosomal Recessive and X-Linked Classification Criteria (2023). Collection method: clinical testing. Allele origin: unknown.
Comment: NM_001369.2(DNAH5):c.4361G>A(R1454Q) is a missense variant classified as a variant of uncertain significance in the context of primary ciliary dyskinesia, DNAH5-related. R1454Q has been observed in a case with relevant disease (PMID: 11788826). Relevant functional assessments of this variant are not available in the literature. R1454Q has been observed in referenced population frequency databases. In summary, there is insufficient evidence to classify NM_001369.2(DNAH5):c.4361G>A(R1454Q) as pathogenic or benign. Please note: this variant was assessed in the context of healthy population screening.

Natera, Inc.
Classification: Likely pathogenic for Primary ciliary dyskinesia. Last evaluated: 2025-12-01. Review status: criteria provided, single submitter. Criteria: Natera Variant Classification Schema (03/2026). Collection method: clinical testing. Allele origin: germline.
Comment: The c.4361G>A variant in DNAH5 is a missense variant predicted to cause substitution of arginine to glutamine at amino acid 1454. This variant is rare in the general population with a frequency below the threshold expected for the associated phenotype(s). This variant has been observed in one or more individuals affected with the associated recessive disease, as either homozygous or compound heterozygous with a second variant (PMID: 11788826). Additionally, this variant has been observed to segregate in affected family members (PMID: 40033371). Computational prediction algorithms indicate this variant is likely to affect gene or protein function. Given the available evidence, this variant is classified as Likely Pathogenic.

Dasa
Classification: Likely pathogenic. Last evaluated: 2025-11-13. Review status: criteria provided, single submitter. Criteria: DASA Assertion Criteria. Collection method: clinical testing. Allele origin: germline.
Comment: NM_001369.3(DNAH5):c.4361G>A (p.Arg1454Gln) is a missense variant that results in the substitution of arginine with glutamine. Segregation data support an association with disease in the reported family/families (PMID: 11788826; PMID: 25186273). This variant has been recurrently observed in individuals with DNAH5-related disorders (PMID: 11788826; PMID: 25186273). Functional evidence supports an impact on the gene or gene product (PMID: 11788826; PMID: 25186273). Also, this variant is rare in population databases. Based on the currently available evidence, this variant is classified as likely pathogenic.

Labcorp Genetics (formerly Invitae), Labcorp
Classification: Likely pathogenic for Primary ciliary dyskinesia. Last evaluated: 2025-10-15. Review status: criteria provided, single submitter. Criteria: Invitae Variant Classification Sherloc (09022015). Collection method: clinical testing. Allele origin: germline.
Comment: This sequence change replaces arginine, which is basic and polar, with glutamine, which is neutral and polar, at codon 1454 of the DNAH5 protein (p.Arg1454Gln). This variant is present in population databases (rs542708170, gnomAD 0.02%). This missense change has been observed in individual(s) with primary ciliary dyskinesia (PMID: 11788826). In at least one individual the data is consistent with being in trans (on the opposite chromosome) from a pathogenic variant. It has also been observed to segregate with disease in related individuals. ClinVar contains an entry for this variant (Variation ID: 287698). Invitae Evidence Modeling of protein sequence and biophysical properties (such as structural, functional, and spatial information, amino acid conservation, physicochemical variation, residue mobility, and thermodynamic stability) indicates that this missense variant is not expected to disrupt DNAH5 protein function with a negative predictive value of 95%. In summary, the currently available evidence indicates that the variant is pathogenic, but additional data are needed to prove that conclusively. Therefore, this variant has been classified as Likely Pathogenic.

Victorian Clinical Genetics Services, Murdoch Childrens Research Institute
Classification: Uncertain significance for Primary ciliary dyskinesia 3. Last evaluated: 2025-07-16. Review status: criteria provided, single submitter. Criteria: ACMG Guidelines, 2015. Collection method: clinical testing. Allele origin: germline. Affected: yes.
Comment: This variant is classified as VUS-3A. Evidence in support of pathogenic classification: Variant is present in gnomAD <0.01 for a recessive condition (v4: 228 heterozygote(s), 0 homozygote(s)); This variant has moderate functional evidence supporting abnormal protein function. DNAH5 was shown to mislocalise in patient respiratory epithelial cells (PMID: 16492982). Additional information: Variant is predicted to result in a missense amino acid change from Arg to Gln; This variant is heterozygous; This gene is associated with autosomal recessive disease; Alternative amino acid change(s) at the same position are present in gnomAD (Highest alelle count: v4: 1 heterozygote(s), 0 homozygote(s)). - Previous reports of pathogenicity for this variant are conflicting. This variant has been reported in siblings with situs inversus and immotile cilia in the literature (PMID: 11788826). Additionally, it has been classified as a VUS, likely pathogenic, and pathogenic by multiple clinical laboratories in ClinVar; Segregation evidence for this variant is inconclusive (PMID: 11788826); No comparable missense variants have previous evidence for pathogenicity; Variant is located in the annotated dynein heavy chain, N-terminal region 2 domain (DECIPHER); Missense variant with inconclusive in silico prediction and uninformative conservation; Loss of function is a known mechanism of disease in this gene and is associated with primary ciliary dyskinesia 3, with or without situs inversus (MIM#608644); Inheritance information for this variant is not currently available in this individual.

Blueprint Genetics
Classification: Likely pathogenic for DNAH5-related disorders. Last evaluated: 2024-10-03. Review status: criteria provided, single submitter. Criteria: ACMG Guidelines, 2015. Collection method: clinical testing. Allele origin: germline. Affected: yes. Observed: 5 variant alleles.

Fulgent Genetics
Classification: Likely pathogenic for Primary ciliary dyskinesia 3. Last evaluated: 2024-05-22. Review status: criteria provided, single submitter. Criteria: ACMG Guidelines, 2015. Collection method: clinical testing. Allele origin: germline.

Molecular Genetics, Royal Melbourne Hospital
Classification: Uncertain significance for Primary ciliary dyskinesia. Last evaluated: 2024-02-05. Review status: criteria provided, single submitter. Criteria: ACMG Guidelines, 2015. Collection method: clinical testing. Allele origin: germline. Inheritance: Autosomal recessive inheritance.
Comment: This sequence change in DNAH5 is predicted to replace arginine with glutamine at codon 1454, p.(Arg1454Gln). The arginine residue is moderately conserved (100 vertebrates, Multiz Alignments), and is located in the coiled-coiled stem region. There is a small physicochemical difference between arginine and glutamine. The highest population minor allele frequency in the population database gnomAD v4.0 is 0.02% (199/1,179,988 alleles) in the European (non-Finnish) population, which is consistent with recessive disease. This variant has been observed in trans with a pathogenic variant in two siblings with primary ciliary dyskinesia in a single family (PMID: 11788826, 25186273). It has conflicting interpretations in ClinVar (ID: 287698). Computational evidence is uninformative for the missense substitution (REVEL = 0.510). Based on the classification scheme RMH Modified ACMG/AMP Guidelines v1.6.1, this variant is classified as a VARIANT OF UNCERTAIN SIGNIFICANCE. Following criteria are met: PM3, PM2_Supporting, PP1.

Eurofins Ntd Llc (ga)
Classification: Uncertain significance. Last evaluated: 2016-06-09. Review status: criteria provided, single submitter. Criteria: EGL Classification Definitions 2015. Collection method: clinical testing. Allele origin: germline. Observed: 1 variant allele, 1 heterozygote.

Ambry Genetics
Classification: Pathogenic for Primary ciliary dyskinesia. Last evaluated: 2016-03-24. Review status: criteria provided, single submitter. Criteria: Ambry Variant Classification Scheme 2023. Collection method: clinical testing. Allele origin: germline.
Comment: The p.R1454Q variant (also known as c.4361G>A), located in coding exon 28 of the DNAH5 gene, results from a G to A substitution at nucleotide position 4361. The arginine at codon 1454 is replaced by glutamine, an amino acid with highly similar properties. This variant was detected in two siblings with primary ciliary dyskensia (characterized by outer dynein arm defects on electron microscopy) who were compound heterozygous for another DNAH5 mutation; both siblings had immotile cilia and one sibling had situs inversus (Olbrich H, Nat. Genet. 2002 Feb; 30(2):143-4; Olbrich H, Pediatr. Res. 2006 Mar; 59(3):418-22). Ex vivo cultures of these patients' epithelial airway showed absent cilia or membrane alterations in many cells and mislocalization of DNAH5 to the basal body region in the remaining cells (Olbrich H, Pediatr. Res. 2006 Mar; 59(3):418-22). Based on the available evidence, p.R1454Q is classified as a pathogenic mutation.

Division of Human Genetics, Children's Hospital of Philadelphia
Classification: Likely pathogenic for Primary ciliary dyskinesia 3. Last evaluated: 2016-02-10. Review status: no assertion criteria provided. Collection method: research. Allele origin: germline. Study: CSER-PediSeq. Not counted in ClinVar's aggregate classification.

Literature cited by the submitters: PubMed 11788826 (cited by 8 submitters); PubMed 40033371 (cited by Natera, Inc.); PubMed 25186273 (cited by Dasa and Molecular Genetics, Royal Melbourne Hospital); PubMed 16492982 (cited by Victorian Clinical Genetics Services, Murdoch Childrens Research Institute and Ambry Genetics).

NM_001369.3(DNAH5):c.4361G>A (p.Arg1454Gln)

Genes: DNAH5 (dynein axonemal heavy chain 5; minus strand), DNAH5-AS1 (DNAH5 antisense RNA 1; plus strand). Cytogenetic location: 5p15.2.
Variant type: single nucleotide variant.
Coding change: c.4361G>A on transcript NM_001369.3 (MANE Select); coding-DNA position 4361, G replaced by A.
Protein change: p.Arg1454Gln; replaces arginine 1454 with glutamine.
Molecular consequence: missense variant.
Genome position (GRCh38, 1-based): chr5:13,864,632, C>T on the plus strand (G>A on the coding strand, the complement: DNAH5 is on the minus strand). VCF-style: chr5-13864632-C-T. GRCh37 (hg19) VCF-style: chr5-13864741-C-T.
Other names: short protein forms R1454Q.
Identifiers: ClinVar variation 287698 (VCV000287698.30), dbSNP rs542708170, ClinGen allele CA3203993.